The following is an entry in ClinVar:

NM_022168.4(IFIH1):c.1769C>T (p.Ala590Val)

Gene: IFIH1 (interferon induced with helicase C domain 1; minus strand). Cytogenetic location: 2q24.2.
Variant type: single nucleotide variant.
Coding change: c.1769C>T on transcript NM_022168.4 (MANE Select); coding-DNA position 1769, C replaced by T.
Protein change: p.Ala590Val; replaces alanine 590 with valine.
Molecular consequence: missense variant.
Genome position (GRCh38, 1-based): chr2:162,277,690, G>A on the plus strand (C>T on the coding strand, the complement: IFIH1 is on the minus strand). VCF-style: chr2-162277690-G-A. GRCh37 (hg19) VCF-style: chr2-163134200-G-A.
Other names: c.1769C>T (NM_022168.2); short protein forms A590V.
Identifiers: ClinVar variation 2180034 (VCV002180034.5), dbSNP rs768993250, ClinGen allele CA1934395.

ClinVar aggregate classification (germline): Uncertain significance. Review status: criteria provided, multiple submitters, no conflicts (2 of 4 stars). 2 submissions from 2 submitters: Uncertain significance (2). Last evaluated 2024-03-15.

Conditions:
Singleton-Merten syndrome 1 (SGMRT1). Also called: Widened medullary cavities of bone, aortic calcification, abnormal dentition, and muscular weakness; Syndrome of widened medullary cavities of the metacarpals and phalanges, aortic calcification and abnormal dentition. Identifiers: Orphanet 85191, MedGen C4225427, MONDO:0024535, OMIM 182250.
Aicardi-Goutieres syndrome 7 (AGS7). Identifiers: Orphanet 51, MedGen C3888244, MONDO:0014367, OMIM 615846.
Inborn genetic diseases. Identifiers: MedGen C0950123, MeSH D030342.

Allele frequency attached by ClinVar (database versions not stated): gnomAD exomes below 0.00001; TOPMed below 0.00001; ExAC 0.00001; gnomAD 0.00001.
gnomAD v4.1: 4 of 1,598,912 alleles (0.00025%); highest among the groups gnomAD compares: African/African-American, 0.0014%; no homozygotes.

Submissions (2):

Labcorp Genetics (formerly Invitae), Labcorp
Classification: Uncertain significance for Aicardi-Goutieres syndrome 7; Singleton-Merten syndrome 1. Last evaluated: 2024-03-15. Review status: criteria provided, single submitter. Criteria: Invitae Variant Classification Sherloc (09022015). Collection method: clinical testing. Allele origin: germline.
Comment: This sequence change replaces alanine, which is neutral and non-polar, with valine, which is neutral and non-polar, at codon 590 of the IFIH1 protein (p.Ala590Val). This variant is present in population databases (rs768993250, gnomAD 0.002%). This variant has not been reported in the literature in individuals affected with IFIH1-related conditions. ClinVar contains an entry for this variant (Variation ID: 2180034). Advanced modeling of protein sequence and biophysical properties (such as structural, functional, and spatial information, amino acid conservation, physicochemical variation, residue mobility, and thermodynamic stability) has been performed at Invitae for this missense variant, however the output from this modeling did not meet the statistical confidence thresholds required to predict the impact of this variant on IFIH1 protein function. In summary, the available evidence is currently insufficient to determine the role of this variant in disease. Therefore, it has been classified as a Variant of Uncertain Significance.

Ambry Genetics
Classification: Uncertain significance for Inborn genetic diseases. Last evaluated: 2024-02-21. Review status: criteria provided, single submitter. Criteria: Ambry Variant Classification Scheme 2023. Collection method: clinical testing. Allele origin: germline.